The following is an entry in ClinVar:

NM_015909.4(NBAS):c.3721C>T (p.Arg1241Trp)

Gene: NBAS (NBAS subunit of NRZ tethering complex; minus strand). Cytogenetic location: 2p24.3.
Variant type: single nucleotide variant.
Coding change: c.3721C>T on transcript NM_015909.4 (MANE Select); coding-DNA position 3721, C replaced by T.
Protein change: p.Arg1241Trp; replaces arginine 1241 with tryptophan.
Molecular consequence: missense variant. On other transcripts: non-coding transcript variant (1).
Genome position (GRCh38, 1-based): chr2:15,366,676, G>A on the plus strand (C>T on the coding strand, the complement: NBAS is on the minus strand). VCF-style: chr2-15366676-G-A. GRCh37 (hg19) VCF-style: chr2-15506800-G-A.
Other names: short protein forms R1241W.
Identifiers: ClinVar variation 1399731 (VCV001399731.3), dbSNP rs766803563, ClinGen allele CA42630344.

ClinVar aggregate classification (germline): Uncertain significance (1 of 4 stars; one submission).

Allele frequency attached by ClinVar (database versions not stated): TOPMed below 0.00001.
gnomAD v4.1: 12 of 1,613,954 alleles (0.00074%); highest among the groups gnomAD compares: South Asian, 0.0033%; no homozygotes.

Submission:

Labcorp Genetics (formerly Invitae), Labcorp
Classification: Uncertain significance. Last evaluated: 2022-07-12. Review status: criteria provided, single submitter. Criteria: Invitae Variant Classification Sherloc (09022015). Collection method: clinical testing. Allele origin: germline.
Comment: This sequence change replaces arginine, which is basic and polar, with tryptophan, which is neutral and slightly polar, at codon 1241 of the NBAS protein (p.Arg1241Trp). This variant is present in population databases (no rsID available, gnomAD 0.007%). This variant has not been reported in the literature in individuals affected with NBAS-related conditions. ClinVar contains an entry for this variant (Variation ID: 1399731). Algorithms developed to predict the effect of missense changes on protein structure and function (SIFT, PolyPhen-2, Align-GVGD) all suggest that this variant is likely to be disruptive. In summary, the available evidence is currently insufficient to determine the role of this variant in disease. Therefore, it has been classified as a Variant of Uncertain Significance.